The following is an entry in ClinVar:

NM_005188.4(CBL):c.173A>G (p.Lys58Arg)

Genes: CBL (Cbl proto-oncogene; plus strand), LOC130006895 (ATAC-STARR-seq lymphoblastoid silent region 3975; plus strand). Cytogenetic location: 11q23.3.
Variant type: single nucleotide variant.
Coding change: c.173A>G on transcript NM_005188.4 (MANE Select); coding-DNA position 173, A replaced by G.
Protein change: p.Lys58Arg; replaces lysine 58 with arginine.
Molecular consequence: missense variant.
Genome position (GRCh38, 1-based): chr11:119,206,590, A>G. VCF-style: chr11-119206590-A-G. GRCh37 (hg19) VCF-style: chr11-119077300-A-G.
Other names: short protein forms K58R.
Identifiers: ClinVar variation 2779607 (VCV002779607.3), dbSNP rs2496819737, ClinGen allele CA382976600.

ClinVar aggregate classification (germline): Uncertain significance (1 of 4 stars; one submission).

Conditions:
RASopathy. Also called: Noonan spectrum disorder; rasopathies. Identifiers: Orphanet 536391, MedGen C5555857, MONDO:0021060.

Submission:

Labcorp Genetics (formerly Invitae), Labcorp
Classification: Uncertain significance for RASopathy. Last evaluated: 2025-11-25. Review status: criteria provided, single submitter. Criteria: Invitae Variant Classification Sherloc (09022015). Collection method: clinical testing. Allele origin: germline.
Comment: This sequence change replaces lysine, which is basic and polar, with arginine, which is basic and polar, at codon 58 of the CBL protein (p.Lys58Arg). This variant is not present in population databases (gnomAD no frequency). This variant has not been reported in the literature in individuals affected with CBL-related conditions. ClinVar contains an entry for this variant (Variation ID: 2779607). Invitae Evidence Modeling of protein sequence and biophysical properties (such as structural, functional, and spatial information, amino acid conservation, physicochemical variation, residue mobility, and thermodynamic stability) indicates that this missense variant is not expected to disrupt CBL protein function with a negative predictive value of 95%. In summary, the available evidence is currently insufficient to determine the role of this variant in disease. Therefore, it has been classified as a Variant of Uncertain Significance.